The following is an entry in ClinVar:

NM_000079.4(CHRNA1):c.878T>C (p.Leu293Ser)

Gene: CHRNA1 (cholinergic receptor nicotinic alpha 1 subunit; minus strand). Cytogenetic location: 2q31.1.
Variant type: single nucleotide variant.
Coding change: c.878T>C on transcript NM_000079.4 (MANE Select); coding-DNA position 878, T replaced by C.
Protein change: p.Leu293Ser; replaces leucine 293 with serine.
Molecular consequence: missense variant.
Genome position (GRCh38, 1-based): chr2:174,750,070, A>G on the plus strand (T>C on the coding strand, the complement: CHRNA1 is on the minus strand). VCF-style: chr2-174750070-A-G. GRCh37 (hg19) VCF-style: chr2-175614798-A-G.
Other names: c.953T>C, p.Leu318Ser (NM_001039523.3); short protein forms L293S, L318S.
Identifiers: ClinVar variation 1517038 (VCV001517038.8), dbSNP rs2105345351, ClinGen allele CA349336577.

ClinVar aggregate classification (germline): Uncertain significance (1 of 4 stars; one submission).

Conditions:
Lethal multiple pterygium syndrome (LMPS). Identifiers: Orphanet 33108, MedGen C1854678, MONDO:0009668, OMIM 253290.

Submission:

Labcorp Genetics (formerly Invitae), Labcorp
Classification: Uncertain significance for Lethal multiple pterygium syndrome. Last evaluated: 2021-03-13. Review status: criteria provided, single submitter. Criteria: Invitae Variant Classification Sherloc (09022015). Collection method: clinical testing. Allele origin: germline.
Comment: In summary, the available evidence is currently insufficient to determine the role of this variant in disease. Therefore, it has been classified as a Variant of Uncertain Significance. Advanced modeling of protein sequence and biophysical properties (such as structural, functional, and spatial information, amino acid conservation, physicochemical variation, residue mobility, and thermodynamic stability) performed at Invitae indicates that this missense variant is expected to disrupt CHRNA1 protein function. This variant has not been reported in the literature in individuals with CHRNA1-related conditions. This variant is not present in population databases (ExAC no frequency). This sequence change replaces leucine with serine at codon 293 of the CHRNA1 protein (p.Leu293Ser). The leucine residue is highly conserved and there is a large physicochemical difference between leucine and serine.